The following is an entry in ClinVar:

ClinVar aggregate classification (germline): Pathogenic (1 of 4 stars; one submission).

Submission:

Labcorp Genetics (formerly Invitae), Labcorp
Classification: Pathogenic. Last evaluated: 2024-12-16. Review status: criteria provided, single submitter. Criteria: Invitae Variant Classification Sherloc (09022015). Collection method: clinical testing. Allele origin: germline.
Comment: This sequence change creates a premature translational stop signal (p.Glu1348Valfs*2) in the LTBP2 gene. It is expected to result in an absent or disrupted protein product. Loss-of-function variants in LTBP2 are known to be pathogenic (PMID: 19361779, 19656777, 22025892). This variant is not present in population databases (gnomAD no frequency). This variant has not been reported in the literature in individuals affected with LTBP2-related conditions. For these reasons, this variant has been classified as Pathogenic.

Literature cited by the submitters: PubMed 19361779; PubMed 19656777; PubMed 22025892.

NM_000428.3(LTBP2):c.4043_4044del (p.Glu1348fs)

Gene: LTBP2 (latent transforming growth factor beta binding protein 2; minus strand). Cytogenetic location: 14q24.3.
Variant type: Deletion.
Coding change: c.4043_4044del on transcript NM_000428.3 (MANE Select); coding-DNA positions 4043 to 4044, 2 bases deleted (AG; older notation c.4043_4044delAG).
Protein change: p.Glu1348fs; shifts the reading frame from glutamic acid 1348.
Molecular consequence: frameshift variant.
Genome position (GRCh38, 1-based): chr14:74,506,181-74,506,182, CT deleted on the plus strand (AG on the coding strand, the reverse complement: LTBP2 is on the minus strand); deleting any 2 consecutive bases within chr14:74,506,181-74,506,183 gives the same sequence; the c. name uses the placement nearest the transcript's 3' end. VCF-style (leftmost placement, unchanged base first): chr14-74506180-ACT-A. GRCh37 (hg19) VCF-style: chr14-74972883-ACT-A.
Other names: short protein forms E1348fs.
Identifiers: ClinVar variation 3727393 (VCV003727393.2).